The following is an entry in ClinVar:

NM_000053.4(ATP7B):c.3419del (p.Val1140fs)

Gene: ATP7B (ATPase copper transporting beta; minus strand). Cytogenetic location: 13q14.3.
Variant type: Deletion.
Coding change: c.3419del on transcript NM_000053.4 (MANE Select); coding-DNA position 3419, one base deleted (T; older notation c.3419delT).
Protein change: p.Val1140fs; shifts the reading frame from valine 1140.
Molecular consequence: frameshift variant. On other transcripts: intron variant (2).
Genome position (GRCh38, 1-based): chr13:51,941,218, A deleted on the plus strand (T on the coding strand, the reverse complement: ATP7B is on the minus strand). VCF-style (leftmost placement, unchanged base first): chr13-51941217-GA-G. GRCh37 (hg19) VCF-style: chr13-52515353-GA-G.
Other names: c.3089del, p.Val1030fs (NM_001406536.1, NM_001406535.1); c.2990del, p.Val997fs (NM_001406539.1); c.3080del, p.Val1027fs (NM_001406537.1); c.2972del, p.Val991fs (NM_001406540.1); c.2933del, p.Val978fs (NM_001406541.1, NM_001406542.1); c.2837del, p.Val946fs (NM_001406544.1); c.2798del, p.Val933fs (NM_001005918.3); c.3236del, p.Val1079fs (NM_001406523.1); and 21 more; short protein forms V1027fs, V1029fs, V1030fs, V1044fs, V1056fs, V1060fs, V1062fs, V1075fs.
Identifiers: ClinVar variation 3773921 (VCV003773921.4).

ClinVar aggregate classification (germline): Pathogenic/Likely pathogenic. Review status: criteria provided, multiple submitters, no conflicts (2 of 4 stars). 4 submissions from 4 submitters: Pathogenic (2); Likely pathogenic (2). Last evaluated 2025-07-25.

Conditions:
Wilson disease (WND). Also called: Wilson's disease. Identifiers: Orphanet 905, MedGen C0019202, MONDO:0010200, OMIM 277900. Disease mechanism: loss of function.

Submissions (4):

Color Diagnostics, LLC DBA Color Health
Classification: Pathogenic for Wilson disease. Last evaluated: 2025-07-25. Review status: criteria provided, single submitter. Criteria: ACMG Guidelines, 2015. Collection method: clinical testing. Allele origin: germline.
Comment: This variant, also known as c.3418delT, deletes 1 nucleotide in exon 16 of the ATP7B gene, creating a frameshift and premature translation stop signal. This variant is expected to result in an absent or non-functional protein product. This variant has been reported in an individual affected with Wilson disease (PMID: 15811015). This variant has not been identified in the general population by the Genome Aggregation Database (gnomAD). Loss of ATP7B function is a known mechanism of disease. Based on the available evidence, this variant is classified as Pathogenic.

Revvity Omics, Revvity
Classification: Likely pathogenic for Wilson disease. Last evaluated: 2025-05-05. Review status: criteria provided, single submitter. Criteria: ACMG Guidelines, 2015. Collection method: clinical testing. Allele origin: germline.

Natera, Inc.
Classification: Likely pathogenic for Wilson disease. Last evaluated: 2025-04-10. Review status: criteria provided, single submitter. Criteria: Natera Variant Classification Schema (03/2026). Collection method: clinical testing. Allele origin: germline.
Comment: The c.3419delT variant in ATP7B is a frameshift variant predicted to shift the reading frame beginning at codon 1140 and leads to a stop codon 8 codons downstream. This variant is expected to result in nonsense mediated decay, truncation, or a dysfunctional protein product. This variant is rare in the general population with a frequency below the threshold expected for the associated phenotype(s). Given the available evidence, this variant is classified as Likely Pathogenic.

GeneDx
Classification: Pathogenic. Last evaluated: 2024-09-18. Review status: criteria provided, single submitter. Criteria: GeneDx Variant Classification Process June 2021. Collection method: clinical testing. Allele origin: germline. Affected: yes.
Comment: Identified in a patient with Wilson disease; additional clinical information was not provided (PMID: 15811015); Frameshift variant predicted to result in protein truncation or nonsense mediated decay in a gene for which loss of function is a known mechanism of disease; Not observed at significant frequency in large population cohorts (gnomAD); This variant is associated with the following publications: (PMID: 15811015)

Literature cited by the submitters: PubMed 15811015 (cited by Color Diagnostics, LLC DBA Color Health).